The following is an entry in ClinVar:

ClinVar aggregate classification (germline): Uncertain significance (1 of 4 stars; one submission).

Submission:

GeneDx
Classification: Uncertain significance. Last evaluated: 2023-05-08. Review status: criteria provided, single submitter. Criteria: GeneDx Variant Classification Process June 2021. Collection method: clinical testing. Allele origin: germline. Affected: yes.
Comment: Not observed at significant frequency in large population cohorts (gnomAD); In silico analysis supports that this missense variant does not alter protein structure/function; Has not been previously published as pathogenic or benign to our knowledge

NM_001256789.3(CACNA1F):c.1423G>A (p.Asp475Asn)

Gene: CACNA1F (calcium voltage-gated channel subunit alpha1 F; minus strand). Cytogenetic location: Xp11.23.
Variant type: single nucleotide variant.
Coding change: c.1423G>A on transcript NM_001256789.3 (MANE Select); coding-DNA position 1423, G replaced by A.
Protein change: p.Asp475Asn; replaces aspartic acid 475 with asparagine.
Molecular consequence: missense variant.
Genome position (GRCh38, 1-based): chrX:49,226,449, C>T on the plus strand (G>A on the coding strand, the complement: CACNA1F is on the minus strand). VCF-style: chrX-49226449-C-T. GRCh37 (hg19) VCF-style: chrX-49082911-C-T.
Other names: c.1261G>A, p.Asp421Asn (NM_001256790.3); c.1456G>A, p.Asp486Asn (NM_005183.4); short protein forms D421N, D475N, D486N.
Identifiers: ClinVar variation 2662277 (VCV002662277.1), dbSNP rs2519125706, ClinGen allele CA412917318.